The following is an entry in ClinVar:

NM_013314.4(BLNK):c.205-56C>T

Gene: BLNK (B cell linker; minus strand). Cytogenetic location: 10q24.1.
Variant type: single nucleotide variant.
Coding change: c.205-56C>T on transcript NM_013314.4 (MANE Select); 56 bases into the intron before coding-DNA position 205, C replaced by T.
Molecular consequence: intron variant.
Genome position (GRCh38, 1-based): chr10:96,227,622, G>A on the plus strand (C>T on the coding strand, the complement: BLNK is on the minus strand). VCF-style: chr10-96227622-G-A. GRCh37 (hg19) VCF-style: chr10-97987378-G-A.
Other names: c.205-56C>T (NM_001258442.2, NM_001258441.2, NM_001114094.2 and 1 more transcripts).
Identifiers: ClinVar variation 1278621 (VCV001278621.4), dbSNP rs34233512, ClinGen allele CA13165573.

ClinVar aggregate classification (germline): Benign. Review status: criteria provided, multiple submitters, no conflicts (2 of 4 stars). 3 submissions from 3 submitters: Benign (3). Last evaluated 2024-01-24.

Allele frequency attached by ClinVar (database versions not stated): 1000 Genomes Project 30x 0.22423; TOPMed 0.33463; 1000 Genomes Project 0.21925.
gnomAD v4.1: 671,400 of 1,610,046 alleles (42%); highest among the groups gnomAD compares: Non-Finnish European, 46%; 149,651 homozygotes.

Submissions (3):

Unidad de Genómica Garrahan, Hospital de Pediatría Garrahan
Classification: Benign. Last evaluated: 2024-01-24. Review status: criteria provided, single submitter. Criteria: ACMG Guidelines, 2015. Collection method: clinical testing. Allele origin: germline. Affected: no. Observed: 57 variant alleles.
Comment: This variant is classified as Benign based on local population frequency. This variant was detected in 60% of patients studied by a panel of primary immunodeficiencies. Number of patients: 57. Only high quality variants are reported.

GeneDx
Classification: Benign. Last evaluated: 2021-06-18. Review status: criteria provided, single submitter. Criteria: GeneDx Variant Classification Process June 2021. Collection method: clinical testing. Allele origin: germline. Affected: yes.

Breakthrough Genomics
Classification: Benign. Review status: criteria provided, single submitter. Criteria: ACMG Guidelines, 2015. Collection method: not provided. Allele origin: germline. Inheritance: Autosomal recessive inheritance. Affected: yes.